The following is an entry in ClinVar:

NM_003265.3(TLR3):c.2090A>G (p.Lys697Arg)

Gene: TLR3 (toll like receptor 3; plus strand). Cytogenetic location: 4q35.1.
Variant type: single nucleotide variant.
Coding change: c.2090A>G on transcript NM_003265.3 (MANE Select); coding-DNA position 2090, A replaced by G.
Protein change: p.Lys697Arg; replaces lysine 697 with arginine.
Molecular consequence: missense variant.
Genome position (GRCh38, 1-based): chr4:186,083,776, A>G. VCF-style: chr4-186083776-A-G. GRCh37 (hg19) VCF-style: chr4-187004930-A-G.
Other names: short protein forms K697R.
Identifiers: ClinVar variation 2168244 (VCV002168244.4), dbSNP rs2099303922, ClinGen allele CA358934927.

ClinVar aggregate classification (germline): Uncertain significance (1 of 4 stars; one submission).

Conditions:
Encephalopathy, acute, infection-induced (herpes-specific), susceptibility to, 1. Also called: Herpes simplex encephalitis, susceptibility to, 1. Identifiers: Orphanet 1930, MedGen C2750180, MONDO:0024563, OMIM 610551.

Allele frequency attached by ClinVar (database versions not stated): TOPMed below 0.00001.
gnomAD v4.1: 1 of 1,614,058 alleles (0.000062%); highest among the groups gnomAD compares: Non-Finnish European, 0.000085%; no homozygotes.

Submission:

Labcorp Genetics (formerly Invitae), Labcorp
Classification: Uncertain significance for Encephalopathy, acute, infection-induced (herpes-specific), susceptibility to, 1. Last evaluated: 2022-06-23. Review status: criteria provided, single submitter. Criteria: Invitae Variant Classification Sherloc (09022015). Collection method: clinical testing. Allele origin: germline.
Comment: This sequence change replaces lysine, which is basic and polar, with arginine, which is basic and polar, at codon 697 of the TLR3 protein (p.Lys697Arg). This variant is not present in population databases (gnomAD no frequency). This variant has not been reported in the literature in individuals affected with TLR3-related conditions. Algorithms developed to predict the effect of missense changes on protein structure and function are either unavailable or do not agree on the potential impact of this missense change (SIFT: "Tolerated"; PolyPhen-2: "Probably Damaging"; Align-GVGD: "Class C0"). In summary, the available evidence is currently insufficient to determine the role of this variant in disease. Therefore, it has been classified as a Variant of Uncertain Significance.